The following is an entry in ClinVar:

NM_001385012.1(NBEA):c.8240T>C (p.Leu2747Ser)

Gene: NBEA (neurobeachin; plus strand). Cytogenetic location: 13q13.3.
Variant type: single nucleotide variant.
Coding change: c.8240T>C on transcript NM_001385012.1 (MANE Select); coding-DNA position 8240, T replaced by C.
Protein change: p.Leu2747Ser; replaces leucine 2747 with serine.
Molecular consequence: missense variant.
Genome position (GRCh38, 1-based): chr13:35,655,627, T>C. VCF-style: chr13-35655627-T-C. GRCh37 (hg19) VCF-style: chr13-36229764-T-C.
Other names: c.1556T>C, p.Leu519Ser (NM_001204197.3); c.8231T>C, p.Leu2744Ser (NM_001379245.1); c.8177T>C, p.Leu2726Ser (NM_015678.5); short protein forms L2726S, L2744S, L2747S, L519S.
Identifiers: ClinVar variation 1809981 (VCV001809981.1), dbSNP rs2550006829, ClinGen allele CA387841357.

ClinVar aggregate classification (germline): Uncertain significance (1 of 4 stars; one submission).

Submission:

GeneDx
Classification: Uncertain significance. Last evaluated: 2022-07-02. Review status: criteria provided, single submitter. Criteria: GeneDx Variant Classification Process June 2021. Collection method: clinical testing. Allele origin: germline. Affected: yes.
Comment: Not observed at significant frequency in large population cohorts (gnomAD); In silico analysis supports that this missense variant has a deleterious effect on protein structure/function; Has not been previously published as pathogenic or benign to our knowledge